The following is an entry in ClinVar:

NM_020975.6(RET):c.1902_1903inv (p.Cys634_Arg635delinsTrpGly)

Gene: RET (ret proto-oncogene; plus strand). Cytogenetic location: 10q11.21.
Variant type: Inversion.
Coding change: c.1902_1903inv on transcript NM_020975.6 (MANE Select).
Protein change: p.Cys634_Arg635delinsTrpGly.
Molecular consequence: missense variant.
Genome position: GRCh38 VCF-style: chr10-43114502-CC-GG. GRCh37 (hg19) VCF-style: chr10-43609950-CC-GG.
Other names: c.1902_1903invCC, p.Cys634_Arg635delinsTrpGly (NM_000323.2, NM_001406743.1, NM_001406744.1 and 4 more transcripts); c.1140_1141invCC, p.Cys380_Arg381delinsTrpGly (NM_001355216.2); c.1773_1774invCC, p.Cys591_Arg592delinsTrpGly (NM_001406761.1, NM_001406762.1, NM_001406764.1); c.1614_1615invCC, p.Cys538_Arg539delinsTrpGly (NM_001406766.1, NM_001406767.1, NM_001406770.1); c.1506_1507invCC, p.Cys502_Arg503delinsTrpGly (NM_001406769.1, NM_001406772.1); c.1464_1465invCC, p.Cys488_Arg489delinsTrpGly (NM_001406771.1, NM_001406773.1); c.1377_1378invCC, p.Cys459_Arg460delinsTrpGly (NM_001406774.1); c.1176_1177invCC, p.Cys392_Arg393delinsTrpGly (NM_001406775.1, NM_001406776.1, NM_001406777.1 and 1 more transcripts); and 7 more.
Identifiers: ClinVar variation 1458805 (VCV001458805.8), ClinGen allele CA2573145091.

ClinVar aggregate classification (germline): Pathogenic (1 of 4 stars; one submission).

Conditions:
Multiple endocrine neoplasia, type 2 (MEN2). Identifiers: Orphanet 653, MedGen C4048306, MONDO:0019003. Disease mechanism: gain of function.

Submission:

Labcorp Genetics (formerly Invitae), Labcorp
Classification: Pathogenic for Multiple endocrine neoplasia, type 2. Last evaluated: 2021-08-06. Review status: criteria provided, single submitter. Criteria: Invitae Variant Classification Sherloc (09022015). Collection method: clinical testing. Allele origin: germline.
Comment: For these reasons, this variant has been classified as Pathogenic. This variant disrupts the p.Cys634 amino acid residue in RET. Other variant(s) that disrupt this residue have been determined to be pathogenic (PMID: 7824936, 7907913, 12000816). This suggests that this residue is clinically significant, and that variants that disrupt this residue are likely to be disease-causing. A different variant (c.1902C>G) giving rise to one of the amino acid changes in this complex sequence change (p.Cys634Trp) has been determined to be pathogenic (PMID: 11939755, 24331334, 7824936). This suggests that this variant is also likely to be causative of disease. The frequency data for this variant in the population databases is not available, as this variant may be reported as separate entries in the ExAC database. This variant, c.1902_1903delinsGG, is a complex sequence change that results in the deletion of two and insertion of two amino acid(s) amino acid(s) in the RET protein (p.Cys634_Arg635delinsTrpGly).

Literature cited by the submitters: PubMed 7824936; PubMed 7907913; PubMed 12000816; PubMed 11939755; PubMed 24331334.